The following is an entry in ClinVar:

ClinVar aggregate classification (germline): Uncertain significance. Review status: criteria provided, multiple submitters, no conflicts (2 of 4 stars). 2 submissions from 2 submitters: Uncertain significance (2). Last evaluated 2025-02-07.

Conditions:
ARMC5-related disorder. Also called: ARMC5-related condition.
Inborn genetic diseases. Identifiers: MedGen C0950123, MeSH D030342.

Submissions (2):

PreventionGenetics, part of Exact Sciences
Classification: Uncertain significance for ARMC5-related condition. Last evaluated: 2025-02-07. Review status: criteria provided, single submitter. Criteria: ACMG Guidelines, 2015. Collection method: clinical testing. Allele origin: germline.
Comment: The ARMC5 c.2859C>G variant is predicted to result in the amino acid substitution p.Ile953Met. To our knowledge, this variant has not been reported in the literature or in a large population database (gnomAD), indicating this variant is rare, and is reported as a variant of uncertain significance in ClinVar. At this time, the clinical significance of this variant is uncertain due to the absence of conclusive functional and genetic evidence.

Ambry Genetics
Classification: Uncertain significance for Inborn genetic diseases. Last evaluated: 2024-03-15. Review status: criteria provided, single submitter. Criteria: Ambry Variant Classification Scheme 2023. Collection method: clinical testing. Allele origin: germline.

NM_001105247.2(ARMC5):c.2574C>G (p.Ile858Met)

Gene: ARMC5 (armadillo repeat containing 5; plus strand). Cytogenetic location: 16p11.2.
Variant type: single nucleotide variant.
Coding change: c.2574C>G on transcript NM_001105247.2 (MANE Select); coding-DNA position 2574, C replaced by G.
Protein change: p.Ile858Met; replaces isoleucine 858 with methionine.
Molecular consequence: missense variant. On other transcripts: 3 prime UTR variant (1).
Genome position (GRCh38, 1-based): chr16:31,466,655, C>G. VCF-style: chr16-31466655-C-G. GRCh37 (hg19) VCF-style: chr16-31477976-C-G.
Other names: c.2859C>G, p.Ile953Met (NM_001288767.2); c.2670C>G, p.Ile890Met (NM_001301820.1); c.*1454C>G (NM_024742.2); c.2859C>G (NM_001288767.1); short protein forms I858M, I890M, I953M.
Identifiers: ClinVar variation 3315614 (VCV003315614.2).